The following is an entry in ClinVar:

ClinVar aggregate classification (germline): Likely benign (1 of 4 stars; one submission).

Allele frequency attached by ClinVar (database versions not stated): TOPMed 0.00006; ESP Exome Variant Server 0.00008; gnomAD 0.00009; ExAC 0.00029.
gnomAD v4.1: 278 of 1,613,330 alleles (0.017%); highest among the groups gnomAD compares: South Asian, 0.17%; 1 homozygote.

Submission:

CeGaT Center for Human Genetics Tuebingen
Classification: Likely benign. Last evaluated: 2022-09-01. Review status: criteria provided, single submitter. Criteria: CeGaT Center For Human Genetics Tuebingen Variant Classification Criteria Version 2. Collection method: clinical testing. Allele origin: germline. Affected: yes. Observed: 1 variant allele.
Comment: CASKIN1: BP4, BP7

NM_020764.4(CASKIN1):c.1752C>T (p.Ile584=)

Gene: CASKIN1 (CASK interacting protein 1; minus strand). Cytogenetic location: 16p13.3.
Variant type: single nucleotide variant.
Coding change: c.1752C>T on transcript NM_020764.4 (MANE Select); coding-DNA position 1752, C replaced by T.
Protein change: p.Ile584=; no amino-acid change (isoleucine 584 retained).
Molecular consequence: synonymous variant.
Genome position (GRCh38, 1-based): chr16:2,181,807, G>A on the plus strand (C>T on the coding strand, the complement: CASKIN1 is on the minus strand). VCF-style: chr16-2181807-G-A. GRCh37 (hg19) VCF-style: chr16-2231808-G-A.
Identifiers: ClinVar variation 2646053 (VCV002646053.24), dbSNP rs372758880, ClinGen allele CA7835880.